The following is an entry in ClinVar:

ClinVar aggregate classification (germline): Uncertain significance. Review status: criteria provided, multiple submitters, no conflicts (2 of 4 stars). 2 submissions from 2 submitters: Uncertain significance (2). Last evaluated 2024-11-12.

Conditions:
Hereditary cancer-predisposing syndrome. Also called: Neoplastic Syndromes, Hereditary; Tumor predisposition; Hereditary Cancer Syndrome; Hereditary neoplastic syndrome. Identifiers: Orphanet 140162, MedGen C0027672, MeSH D009386, MONDO:0015356.
Hereditary breast ovarian cancer syndrome. Also called: Hereditary breast and ovarian cancer syndrome (HBOC); Hereditary breast and/or ovarian cancer syndrome; Hereditary breast and ovarian cancer; Hereditary breast and ovarian cancer syndrome; BRCA1- and BRCA2-Associated Hereditary Breast and Ovarian Cancer; Breast and ovarian cancer. Identifiers: Orphanet 145, MedGen C0677776, MeSH D061325, MONDO:0003582. Disease mechanism: loss of function.

Submissions (2):

Labcorp Genetics (formerly Invitae), Labcorp
Classification: Uncertain significance for Hereditary breast ovarian cancer syndrome. Last evaluated: 2024-11-12. Review status: criteria provided, single submitter. Criteria: Invitae Variant Classification Sherloc (09022015). Collection method: clinical testing. Allele origin: germline.
Comment: This sequence change replaces aspartic acid, which is acidic and polar, with asparagine, which is neutral and polar, at codon 2680 of the BRCA2 protein (p.Asp2680Asn). This variant is not present in population databases (gnomAD no frequency). This missense change has been observed in individual(s) with BRCA2-related conditions (PMID: 28947987, 35171259). ClinVar contains an entry for this variant (Variation ID: 2774949). Invitae Evidence Modeling of protein sequence and biophysical properties (such as structural, functional, and spatial information, amino acid conservation, physicochemical variation, residue mobility, and thermodynamic stability) indicates that this missense variant is not expected to disrupt BRCA2 protein function with a negative predictive value of 95%. In summary, the available evidence is currently insufficient to determine the role of this variant in disease. Therefore, it has been classified as a Variant of Uncertain Significance.

Color Diagnostics, LLC DBA Color Health
Classification: Uncertain significance for Hereditary cancer-predisposing syndrome. Last evaluated: 2023-09-18. Review status: criteria provided, single submitter. Criteria: ACMG Guidelines, 2015. Collection method: clinical testing. Allele origin: germline.
Comment: This missense variant replaces aspartic acid with asparagine at codon 2680 of the BRCA2 protein. Computational prediction is inconclusive regarding the impact of this variant on protein structure and function (internally defined REVEL score threshold 0.5 < inconclusive < 0.7, PMID: 27666373). To our knowledge, functional studies have not been reported for this variant. This variant has been reported in an individual affected with breast cancer (PMID: 28947987). This variant has not been identified in the general population by the Genome Aggregation Database (gnomAD). The available evidence is insufficient to determine the role of this variant in disease conclusively. Therefore, this variant is classified as a Variant of Uncertain Significance.

Literature cited by the submitters: PubMed 28947987 (cited by Labcorp Genetics (formerly Invitae), Labcorp and Color Diagnostics, LLC DBA Color Health); PubMed 35171259 (cited by Labcorp Genetics (formerly Invitae), Labcorp).

NM_000059.4(BRCA2):c.8038G>A (p.Asp2680Asn)

Gene: BRCA2 (BRCA2 DNA repair associated; plus strand). Cytogenetic location: 13q13.1.
Variant type: single nucleotide variant.
Coding change: c.8038G>A on transcript NM_000059.4 (MANE Select); coding-DNA position 8038, G replaced by A.
Protein change: p.Asp2680Asn; replaces aspartic acid 2680 with asparagine.
Molecular consequence: missense variant. On other transcripts: non-coding transcript variant (1).
Genome position (GRCh38, 1-based): chr13:32,363,240, G>A. VCF-style: chr13-32363240-G-A. GRCh37 (hg19) VCF-style: chr13-32937377-G-A.
Other names: c.7942G>A, p.Asp2648Asn (NM_001406719.1); c.8038G>A, p.Asp2680Asn (NM_001406720.1); c.3106G>A, p.Asp1036Asn (NM_001406721.1); c.1621G>A, p.Asp541Asn (NM_001406722.1); short protein forms D2648N, D541N, D2680N, D1036N.
Identifiers: ClinVar variation 2774949 (VCV002774949.4), dbSNP rs2137580159, ClinGen allele CA387748995.